The following is an entry in ClinVar:

ClinVar aggregate classification (germline): Uncertain significance (1 of 4 stars; one submission).

Submission:

Women's Health and Genetics/Laboratory Corporation of America, LabCorp
Classification: Uncertain significance. Last evaluated: 2023-03-10. Review status: criteria provided, single submitter. Criteria: LabCorp Variant Classification Summary - May 2015. Collection method: clinical testing. Allele origin: germline.
Comment: Variant summary: CFTR c.3964-18_3964-16delinsCAG alters 2 nucleotides (i.e. delTATinsCAG) located close to a canonical splice site and therefore could affect mRNA splicing, leading to a significantly altered protein sequence. 4/4 computational tools predict no significant impact on normal splicing. However, these predictions have yet to be confirmed by functional studies. The variant allele was found at a frequency of 1.6e-05 in 250954 control chromosomes (gnomAD). The available data on variant occurrences in the general population are insufficient to allow any conclusion about variant significance. To our knowledge, no occurrence of c.3964-18_3964-16delinsCAG in individuals affected with Chronic Pancreatitis Risk and no experimental evidence demonstrating its impact on protein function have been reported. No clinical diagnostic laboratories have submitted clinical-significance assessments for this variant to ClinVar after 2014. Based on the evidence outlined above, the variant was classified as VUS-possibly benign.

NM_000492.4(CFTR):c.3964-18_3964-16delinsCAG

Gene: CFTR (CF transmembrane conductance regulator; plus strand). Cytogenetic location: 7q31.2.
Variant type: Indel.
Coding change: c.3964-18_3964-16delinsCAG on transcript NM_000492.4 (MANE Select); 18 bases into the intron before coding-DNA position 3964 through 16 bases into the intron before coding-DNA position 3964, TAT replaced by CAG.
Molecular consequence: intron variant.
Genome position (GRCh38, 1-based): chr7:117,664,670-117,664,672, TAT replaced by CAG. VCF-style: chr7-117664670-TAT-CAG. GRCh37 (hg19) VCF-style: chr7-117304724-TAT-CAG.
Identifiers: ClinVar variation 2501081 (VCV002501081.1), dbSNP rs2485181555, ClinGen allele CA2580614243.
Genomic context (GRCh38, chr7:117,664,670, plus strand): 5'-CCTGTGTTTATTTTTAGAATGTCAACTGCTTGAGTGTTTTTAACTCTGTGGTATCTGAAC[TAT>CAG]CTTCTCTAACTGCAGGTTGGGCTCAGATCTGTGATAGAACAGTTTCCTGGGAAGCTTGAC-3'